The following is an entry in ClinVar:

NM_199242.3(UNC13D):c.2368-5C>T

Gene: UNC13D (unc-13 homolog D; minus strand). Cytogenetic location: 17q25.1.
Variant type: single nucleotide variant.
Coding change: c.2368-5C>T on transcript NM_199242.3 (MANE Select); 5 bases into the intron before coding-DNA position 2368, C replaced by T.
Molecular consequence: intron variant.
Genome position (GRCh38, 1-based): chr17:75,833,050, G>A on the plus strand (C>T on the coding strand, the complement: UNC13D is on the minus strand). VCF-style: chr17-75833050-G-A. GRCh37 (hg19) VCF-style: chr17-73829131-G-A.
Other names: p.?.
Identifiers: ClinVar variation 325251 (VCV000325251.19), dbSNP rs180768962, ClinGen allele CA8772567.

ClinVar aggregate classification (germline): Conflicting classifications of pathogenicity. Review status: criteria provided, conflicting classifications (1 of 4 stars). 5 submissions from 5 submitters: Uncertain significance (1); Likely benign (4). Last evaluated 2026-06-29.

Conditions:
UNC13D-related disorder. Also called: UNC13D-related condition.
Familial hemophagocytic lymphohistiocytosis 3 (FHL3). Also called: UNC13D-Related Familial Hemophagocytic Lymphohistiocytosis (UNC13D-fHLH). Identifiers: Orphanet 540, MedGen C1837174, MONDO:0012146, OMIM 608898.

Allele frequency attached by ClinVar (database versions not stated): ESP Exome Variant Server 0.00008; gnomAD exomes 0.00020 and 0.00023; ExAC 0.00029; gnomAD 0.00043 and 0.00045; TOPMed 0.00065; 1000 Genomes Project 0.00080; 1000 Genomes Project 30x 0.00094.

Submissions (5):

PreventionGenetics, part of Exact Sciences
Classification: Likely benign for UNC13D-related condition. Last evaluated: 2026-06-29. Review status: criteria provided, single submitter. Criteria: ACMG Guidelines, 2015. Collection method: clinical testing. Allele origin: germline.
Comment: This variant is classified as likely benign based on ACMG/AMP sequence variant interpretation guidelines (Richards et al. 2015 PMID: 25741868, with internal and published modifications).

Labcorp Genetics (formerly Invitae), Labcorp
Classification: Likely benign for Familial hemophagocytic lymphohistiocytosis 3. Last evaluated: 2026-01-19. Review status: criteria provided, single submitter. Criteria: Invitae Variant Classification Sherloc (09022015). Collection method: clinical testing. Allele origin: germline.

Mayo Clinic Laboratories, Mayo Clinic
Classification: Likely benign. Last evaluated: 2025-12-03. Review status: criteria provided, single submitter. Criteria: ACMG Guidelines, 2015. Collection method: clinical testing. Allele origin: germline. Observed: 1 variant allele.
Comment: BS1, BP4, BP7

Blueprint Genetics
Classification: Likely benign. Last evaluated: 2024-08-19. Review status: criteria provided, single submitter. Criteria: ACMG Guidelines, 2015. Collection method: clinical testing. Allele origin: germline.

Illumina Laboratory Services, Illumina
Classification: Uncertain significance for Familial hemophagocytic lymphohistiocytosis 3. Last evaluated: 2018-01-13. Review status: criteria provided, single submitter. Criteria: ICSL Variant Classification Criteria 13 December 2019. Collection method: clinical testing. Allele origin: germline.